The following is an entry in ClinVar:

NM_031471.6(FERMT3):c.401G>A (p.Arg134Gln)

Gene: FERMT3 (FERM domain containing kindlin 3; plus strand). Cytogenetic location: 11q13.1.
Variant type: single nucleotide variant.
Coding change: c.401G>A on transcript NM_031471.6 (MANE Select); coding-DNA position 401, G replaced by A.
Protein change: p.Arg134Gln; replaces arginine 134 with glutamine.
Molecular consequence: missense variant. On other transcripts: 5 prime UTR variant (2).
Genome position (GRCh38, 1-based): chr11:64,211,058, G>A. VCF-style: chr11-64211058-G-A. GRCh37 (hg19) VCF-style: chr11-63978530-G-A.
Other names: c.401G>A, p.Arg134Gln (NM_001382361.1, NM_001382362.1, NM_001382448.1 and 1 more transcripts); c.-140G>A (NM_001382363.1, NM_001382364.1); short protein forms R134Q.
Identifiers: ClinVar variation 3365748 (VCV003365748.2).

ClinVar aggregate classification (germline): Uncertain significance. Review status: criteria provided, multiple submitters, no conflicts (2 of 4 stars). 2 submissions from 2 submitters: Uncertain significance (2). Last evaluated 2025-12-02.

Conditions:
FERMT3-related disorder. Also called: FERMT3-related condition.

Submissions (2):

PreventionGenetics, part of Exact Sciences
Classification: Uncertain significance for FERMT3-related condition. Last evaluated: 2025-12-02. Review status: criteria provided, single submitter. Criteria: ACMG Guidelines, 2015. Collection method: clinical testing. Allele origin: germline.
Comment: The FERMT3 c.401G>A variant is predicted to result in the amino acid substitution p.Arg134Gln. To our knowledge, this variant has not been reported in the literature or in a large population database, indicating this variant is rare. At this time, the clinical significance of this variant is uncertain due to the absence of conclusive functional and genetic evidence.

GeneDx
Classification: Uncertain significance. Last evaluated: 2024-01-09. Review status: criteria provided, single submitter. Criteria: GeneDx Variant Classification Process June 2021. Collection method: clinical testing. Allele origin: germline. Affected: yes.
Comment: Has not been previously published as pathogenic or benign to our knowledge; In silico analysis supports that this missense variant has a deleterious effect on protein structure/function and may also impact gene splicing; in the absence of RNA/functional studies, the actual effect of this sequence change is unknown